The following is an entry in ClinVar:

NM_006876.3(B4GAT1):c.534_535delinsAA (p.Leu179Met)

Gene: B4GAT1 (beta-1,4-glucuronyltransferase 1; minus strand). Cytogenetic location: 11q13.2.
Variant type: Indel.
Coding change: c.534_535delinsAA on transcript NM_006876.3 (MANE Select); coding-DNA positions 534 to 535, GC replaced by AA.
Protein change: p.Leu179Met; replaces leucine 179 with methionine.
Molecular consequence: missense variant.
Genome position (GRCh38, 1-based): chr11:66,347,011-66,347,012, GC replaced by TT on the plus strand (GC replaced by AA on the coding strand, the reverse complement: B4GAT1 is on the minus strand). VCF-style: chr11-66347011-GC-TT. GRCh37 (hg19) VCF-style: chr11-66114482-GC-TT.
Other names: short protein forms L179M.
Identifiers: ClinVar variation 4799014 (VCV004799014.1).

ClinVar aggregate classification (germline): Uncertain significance (1 of 4 stars; one submission).

Conditions:
Muscular dystrophy-dystroglycanopathy (congenital with brain and eye anomalies), type A13. Also called: Muscular dystrophy-dystroglycanopathy (congenital with brain and eye anomalies), type a, 13; WALKER-WARBURG SYNDROME OR MUSCLE-EYE-BRAIN DISEASE, B3GNT1-RELATED. Identifiers: Orphanet 899, MedGen C3809042, MONDO:0014120, OMIM 615287.

Submission:

Labcorp Genetics (formerly Invitae), Labcorp
Classification: Uncertain significance for Muscular dystrophy-dystroglycanopathy (congenital with brain and eye anomalies), type A13. Last evaluated: 2025-05-30. Review status: criteria provided, single submitter. Criteria: Invitae Variant Classification Sherloc (09022015). Collection method: clinical testing. Allele origin: germline.
Comment: This sequence change replaces leucine, which is neutral and non-polar, with methionine, which is neutral and non-polar, at codon 179 of the B4GAT1 protein (p.Leu179Met). Information on the frequency of this variant in the gnomAD database is not available, as this variant may be reported differently in the database. This variant has not been reported in the literature in individuals affected with B4GAT1-related conditions. Experimental studies and prediction algorithms are not available or were not evaluated, and the functional significance of this variant is currently unknown. In summary, the available evidence is currently insufficient to determine the role of this variant in disease. Therefore, it has been classified as a Variant of Uncertain Significance.